The following is an entry in ClinVar:

NM_002485.5(NBN):c.1526C>A (p.Ser509Tyr)

Gene: NBN (nibrin; minus strand). Cytogenetic location: 8q21.3.
Variant type: single nucleotide variant.
Coding change: c.1526C>A on transcript NM_002485.5 (MANE Select); coding-DNA position 1526, C replaced by A.
Protein change: p.Ser509Tyr; replaces serine 509 with tyrosine.
Molecular consequence: missense variant.
Genome position (GRCh38, 1-based): chr8:89,953,563, G>T on the plus strand (C>A on the coding strand, the complement: NBN is on the minus strand). VCF-style: chr8-89953563-G-T. GRCh37 (hg19) VCF-style: chr8-90965791-G-T.
Other names: c.1280C>A, p.Ser427Tyr (NM_001024688.3); short protein forms S509Y, S427Y.
Identifiers: ClinVar variation 461510 (VCV000461510.19), dbSNP rs1554558450, ClinGen allele CA371655668.

ClinVar aggregate classification (germline): Uncertain significance. Review status: criteria provided, multiple submitters, no conflicts (2 of 4 stars). 3 submissions from 3 submitters: Uncertain significance (3). Last evaluated 2025-08-29.

Conditions:
Hereditary cancer-predisposing syndrome. Also called: Hereditary neoplastic syndrome; Neoplastic Syndromes, Hereditary; Tumor predisposition; Hereditary Cancer Syndrome. Identifiers: Orphanet 140162, MedGen C0027672, MeSH D009386, MONDO:0015356.
Microcephaly, normal intelligence and immunodeficiency (NBS). Also called: IMMUNODEFICIENCY, MICROCEPHALY, AND CHROMOSOMAL INSTABILITY; SEEMANOVA SYNDROME II; Nijmegen breakage syndrome; Microcephaly with normal intelligence immunodeficiency and lymphoreticular malignancies; Nonsyndromal microcephaly autosomal recessive with normal intelligence; Seemanova syndrome 2. Identifiers: Orphanet 647, MedGen C0398791, MONDO:0009623, OMIM 251260.

Allele frequency attached by ClinVar (database versions not stated): gnomAD exomes below 0.00001.
gnomAD v4.1: 3 of 1,613,802 alleles (0.00019%); highest among the groups gnomAD compares: Non-Finnish European, 0.00025%; no homozygotes.

Submissions (3):

Labcorp Genetics (formerly Invitae), Labcorp
Classification: Uncertain significance for Microcephaly, normal intelligence and immunodeficiency. Last evaluated: 2025-08-29. Review status: criteria provided, single submitter. Criteria: Invitae Variant Classification Sherloc (09022015). Collection method: clinical testing. Allele origin: germline.
Comment: This sequence change replaces serine, which is neutral and polar, with tyrosine, which is neutral and polar, at codon 509 of the NBN protein (p.Ser509Tyr). This variant is not present in population databases (gnomAD no frequency). This variant has not been reported in the literature in individuals affected with NBN-related conditions. ClinVar contains an entry for this variant (Variation ID: 461510). An algorithm developed to predict the effect of missense changes on protein structure and function (PolyPhen-2) suggests that this variant is likely to be tolerated. In summary, the available evidence is currently insufficient to determine the role of this variant in disease. Therefore, it has been classified as a Variant of Uncertain Significance.

Ambry Genetics
Classification: Uncertain significance for Hereditary cancer-predisposing syndrome. Last evaluated: 2024-06-13. Review status: criteria provided, single submitter. Criteria: Ambry Variant Classification Scheme 2023. Collection method: clinical testing. Allele origin: germline.
Comment: The p.S509Y variant (also known as c.1526C>A), located in coding exon 11 of the NBN gene, results from a C to A substitution at nucleotide position 1526. The serine at codon 509 is replaced by tyrosine, an amino acid with dissimilar properties. This amino acid position is not well conserved in available vertebrate species. In addition, this alteration is predicted to be tolerated by in silico analysis. Since supporting evidence is limited at this time, the clinical significance of this alteration remains unclear.

Genome-Nilou Lab
Classification: Uncertain significance for Microcephaly, normal intelligence and immunodeficiency. Last evaluated: 2021-11-07. Review status: criteria provided, single submitter. Criteria: ACMG Guidelines, 2015. Collection method: clinical testing. Allele origin: germline. Affected: no.